The following is an entry in ClinVar:

ClinVar aggregate classification (germline): Uncertain significance (1 of 4 stars; one submission).

Submission:

Labcorp Genetics (formerly Invitae), Labcorp
Classification: Uncertain significance. Last evaluated: 2023-06-30. Review status: criteria provided, single submitter. Criteria: Invitae Variant Classification Sherloc (09022015). Collection method: clinical testing. Allele origin: germline.
Comment: In summary, the available evidence is currently insufficient to determine the role of this variant in disease. Therefore, it has been classified as a Variant of Uncertain Significance. An algorithm developed to predict the effect of missense changes on protein structure and function (PolyPhen-2) suggests that this variant is likely to be disruptive. This variant has not been reported in the literature in individuals affected with WDR11-related conditions. This variant is not present in population databases (gnomAD no frequency). This sequence change replaces glutamic acid, which is acidic and polar, with lysine, which is basic and polar, at codon 58 of the WDR11 protein (p.Glu58Lys).

NM_018117.12(WDR11):c.172G>A (p.Glu58Lys)

Gene: WDR11 (WD repeat domain 11; plus strand). Cytogenetic location: 10q26.12.
Variant type: single nucleotide variant.
Coding change: c.172G>A on transcript NM_018117.12 (MANE Select); coding-DNA position 172, G replaced by A.
Protein change: p.Glu58Lys; replaces glutamic acid 58 with lysine.
Molecular consequence: missense variant.
Genome position (GRCh38, 1-based): chr10:120,852,609, G>A. VCF-style: chr10-120852609-G-A. GRCh37 (hg19) VCF-style: chr10-122612121-G-A.
Other names: short protein forms E58K.
Identifiers: ClinVar variation 2733889 (VCV002733889.3), dbSNP rs2493231150, ClinGen allele CA378315280.
Genomic context (GRCh38, chr10:120,852,609, plus strand): 5'-GGATGTCATTCACTTGTGGTAGTGATTGATTCCATTACTGCCCAAACTCTTCAAGTTTTA[G>A]AAAAGCATAAAGCTGATGTTGTAAAGGTAAGTAAAATCCCACTTTGACGCTAACATGTTG-3'
Protein context (NP_060587.8, residues 48-68): SITAQTLQVL[Glu58Lys]KHKADVVKVK